The following is an entry in ClinVar:

ClinVar aggregate classification (germline): Uncertain significance (1 of 4 stars; one submission).

Conditions:
Gorlin syndrome. Also called: Basal cell nevus syndrome; Nevoid Basal Cell Carcinoma Syndrome. Identifiers: Orphanet 377, MedGen C0004779, MONDO:0007187.

Allele frequency attached by ClinVar (database versions not stated): gnomAD exomes below 0.00001.

Submission:

Labcorp Genetics (formerly Invitae), Labcorp
Classification: Uncertain significance for Gorlin syndrome. Last evaluated: 2025-04-21. Review status: criteria provided, single submitter. Criteria: Invitae Variant Classification Sherloc (09022015). Collection method: clinical testing. Allele origin: germline.
Comment: This sequence change results in a frameshift in the PTCH1 gene (p.His1406Glnfs*46). While this is not anticipated to result in nonsense mediated decay, it is expected to disrupt the last 42 amino acid(s) of the PTCH1 protein and extend the protein by 3 additional amino acid residues. This variant is not present in population databases (gnomAD no frequency). This variant has not been reported in the literature in individuals affected with PTCH1-related conditions. ClinVar contains an entry for this variant (Variation ID: 1370878). Experimental studies and prediction algorithms are not available or were not evaluated, and the functional significance of this variant is currently unknown. In summary, the available evidence is currently insufficient to determine the role of this variant in disease. Therefore, it has been classified as a Variant of Uncertain Significance.

NM_000264.5(PTCH1):c.4218del (p.His1406fs)

Gene: PTCH1 (patched 1; minus strand). Cytogenetic location: 9q22.32.
Variant type: Deletion.
Coding change: c.4218del on transcript NM_000264.5 (MANE Select); coding-DNA position 4218, one base deleted (C; older notation c.4218delC).
Protein change: p.His1406fs; shifts the reading frame from histidine 1406.
Molecular consequence: frameshift variant. On other transcripts: non-coding transcript variant (1).
Genome position (GRCh38, 1-based): chr9:95,447,038, G deleted on the plus strand (C on the coding strand, the reverse complement: PTCH1 is on the minus strand). VCF-style (leftmost placement, unchanged base first): chr9-95447037-CG-C. GRCh37 (hg19) VCF-style: chr9-98209319-CG-C.
Other names: c.4020del, p.His1340fs (NM_001083602.3); c.4215del, p.His1405fs (NM_001083603.3); c.3765del, p.His1255fs (NM_001083604.3, NM_001083605.3, NM_001083606.3 and 1 more transcripts); c.4062del, p.His1354fs (NM_001354918.2); short protein forms H1340fs, H1405fs, H1354fs, H1406fs, H1255fs.
Identifiers: ClinVar variation 1370878 (VCV001370878.6), dbSNP rs2136573069, ClinGen allele CA2573144840.
Genomic context (GRCh38, chr9:95,447,037, plus strand): 5'-CCTTCGAATCCCTCCTCTCACACCGGACGTGGAAAGGCACGTGGGGGTCCTCAAACAGGC[CG>C]TGGTCAGTCTCAGGGTAGCCTGGGCAGAGTCCCCCTCGGGGGTTCCGCCCAGGCCCAGGG-3'